The following is an entry in ClinVar:

ClinVar aggregate classification (germline): Uncertain significance (0 of 4 stars; one submission).

Allele frequency attached by ClinVar (database versions not stated): ExAC 0.00002.

Submission:

Richard Lifton Laboratory, Yale University School of Medicine
Classification: Uncertain significance. Review status: no assertion criteria provided. Collection method: not provided. Allele origin: somatic.
Comment: NPR2
ClinVar note: Converted during submission from unknown to Uncertain significance.

NM_003995.4(NPR2):c.3048G>T (p.Gln1016His)

Genes: NPR2 (natriuretic peptide receptor 2; plus strand), SPAG8 (sperm associated antigen 8; minus strand). Cytogenetic location: 9p13.3.
Variant type: single nucleotide variant.
Coding change: c.3048G>T on transcript NM_003995.4 (MANE Select); coding-DNA position 3048, G replaced by T.
Protein change: p.Gln1016His; replaces glutamine 1016 with histidine.
Molecular consequence: missense variant. On other transcripts: intron variant (2).
Genome position (GRCh38, 1-based): chr9:35,809,217, G>T. VCF-style: chr9-35809217-G-T. GRCh37 (hg19) VCF-style: chr9-35809214-G-T.
Other names: c.3057G>T, p.Gln1019His (NM_001378923.1); c.1201-911C>A (NM_001366760.2); c.1372+187C>A (NM_172312.2); short protein forms Q1016H, Q1019H.
Identifiers: ClinVar variation 91957 (VCV000091957.4), dbSNP rs386352338, ClinGen allele CA232240.